The following is an entry in ClinVar:

ClinVar aggregate classification (germline): Conflicting classifications of pathogenicity. Review status: criteria provided, conflicting classifications (1 of 4 stars). 13 submissions from 9 submitters: Uncertain significance (9); Benign (2); Likely benign (2). Last evaluated 2026-08-06.

Conditions:
TTN-related disorder. Also called: TTN-related disorders; TTN-related condition; TTN-related disease.
Autosomal recessive limb-girdle muscular dystrophy type 2J (LGMDR10). Also called: MUSCULAR DYSTROPHY, LIMB-GIRDLE, AUTOSOMAL RECESSIVE 10; Limb-girdle muscular dystrophy, type 2J. Identifiers: Orphanet 140922, MedGen C1837342, MONDO:0012127, OMIM 608807.
Dilated cardiomyopathy 1G (CMD1G). Identifiers: Orphanet 154, MedGen C1858763, MONDO:0011400, OMIM 604145.
Tibial muscular dystrophy (TMD). Also called: UDD MYOPATHY; Tibial muscular dystrophy, tardive; Udd Distal Myopathy – Tibial Muscular Dystrophy. Identifiers: Orphanet 609, MedGen C1838244, MONDO:0010870, OMIM 600334.
Early-onset myopathy with fatal cardiomyopathy (CMYO5). Also called: Salih Myopathy; CONGENITAL MYOPATHY 5 WITH CARDIOMYOPATHY. Identifiers: Orphanet 289377, MedGen C2673677, MONDO:0012714, OMIM 611705. Disease mechanism: loss of function.
Myopathy, myofibrillar, 9, with early respiratory failure (MFM9). Also called: Myopathy, distal, with early respiratory failure, autosomal dominant; Hereditary myopathy with early respiratory failure; EDSTROM MYOPATHY; MYOPATHY, PROXIMAL, WITH EARLY RESPIRATORY MUSCLE INVOLVEMENT. Identifiers: Orphanet 178464, Orphanet 34521, MedGen C1863599, MONDO:0011362, OMIM 603689.

Allele frequency attached by ClinVar (database versions not stated): TOPMed 0.00007; gnomAD exomes 0.00008 and 0.00010; gnomAD 0.00011; ExAC 0.00032; ESP Exome Variant Server 0.00042.
gnomAD v4.1: 132 of 1,585,170 alleles (0.0083%); highest among the groups gnomAD compares: Non-Finnish European, 0.0093%; no homozygotes.

Submissions (13):

OLLIN Analises Genomicas, OLLIN
Classification: Uncertain significance for Tibial muscular dystrophy. Last evaluated: 2026-08-06. Review status: criteria provided, single submitter. Criteria: ACMG Guidelines 2015 PMID 25741868. Collection method: clinical testing. Allele origin: germline. Inheritance: Autosomal dominant inheritance.
Comment: This missense variant, located in exon 89 (of 363), has been reported in ClinVar (accession VCV000287945.50) and in gnomAD with an allele frequency of 0.0083%. However, to our knowledge, it has not been reported in the scientific literature. In silico analysis predicts that this variant has a tolerated effect. This gene has high tolerance to missense variation. According to the currently available evidence, this variant has been classified as uncertain significance (BP1, BP4).

PreventionGenetics, part of Exact Sciences
Classification: Uncertain significance for TTN-related condition. Last evaluated: 2026-01-20. Review status: criteria provided, single submitter. Criteria: ACMG Guidelines, 2015. Collection method: clinical testing. Allele origin: germline.
Comment: The TTN c.25660A>G variant is predicted to result in the amino acid substitution p.Lys8554Glu. To our knowledge, this variant has not been reported in the literature. This variant is reported in 0.021% of alleles in individuals of European (Non-Finnish) descent in gnomAD. At this time, the clinical significance of this variant is uncertain due to the absence of conclusive functional and genetic evidence.

Blueprint Genetics
Classification: Likely benign. Last evaluated: 2024-08-15. Review status: criteria provided, single submitter. Criteria: ACMG Guidelines, 2015. Collection method: clinical testing. Allele origin: germline.

CeGaT Center for Human Genetics Tuebingen
Classification: Uncertain significance. Last evaluated: 2024-05-01. Review status: criteria provided, single submitter. Criteria: CeGaT Center For Human Genetics Tuebingen Variant Classification Criteria Version 2. Collection method: clinical testing. Allele origin: germline. Affected: yes. Observed: 4 variant alleles.

Revvity Omics, Revvity
Classification: Uncertain significance. Last evaluated: 2023-09-13. Review status: criteria provided, single submitter. Criteria: ACMG Guidelines, 2015. Collection method: clinical testing. Allele origin: germline.

ARUP Laboratories, Molecular Genetics and Genomics, ARUP Laboratories
Classification: Uncertain significance. Last evaluated: 2019-08-12. Review status: criteria provided, single submitter. Criteria: ARUP Molecular Germline Variant Investigation Process. Collection method: clinical testing. Allele origin: germline.
Comment: The TTN c.25660A>G, p.Lys8554Glu variant (rs201945791; ClinVar Variation ID: 287945) is rare in the general population (<1% allele frequency in the Genome Aggregation Database) and has not been reported in the medical literature in association with dilated cardiomyopathy (DCM) or other TTN-related disease. The clinical relevance of rare missense variants in this gene, which are identified on average once per individual sequenced in affected populations (Herman 2012), is not well understood. Yet, evidence suggests that the vast majority of such missense variants do not contribute to the clinical outcome of DCM (Begay 2015). Thus, the clinical significance of the p.Lys8554Glu variant cannot be determined with certainty. References: Begay RL et al. Role of Titin Missense Variants in Dilated Cardiomyopathy. J Am Heart Assoc. 2015 Nov 13;4(11). Herman DS et al. Truncations of titin causing dilated cardiomyopathy. N Engl J Med. 2012 Feb 16;366(7):619-28.

GeneDx
Classification: Likely benign. Last evaluated: 2018-10-11. Review status: criteria provided, single submitter. Criteria: GeneDx Variant Classification Process June 2021. Collection method: clinical testing. Allele origin: germline. Affected: yes.

Illumina Laboratory Services, Illumina
Classification: Uncertain significance for Early-onset myopathy with fatal cardiomyopathy. Last evaluated: 2018-01-13. Review status: criteria provided, single submitter. Criteria: ICSL Variant Classification Criteria 13 December 2019. Collection method: clinical testing. Allele origin: germline.

Illumina Laboratory Services, Illumina
Classification: Benign for Myopathy, myofibrillar, 9, with early respiratory failure. Last evaluated: 2018-01-13. Review status: criteria provided, single submitter. Criteria: ICSL Variant Classification Criteria 13 December 2019. Collection method: clinical testing. Allele origin: germline.
Comment: This variant was observed in the ICSL laboratory as part of a predisposition screen in an ostensibly healthy population. It had not been previously curated by ICSL or reported in the Human Gene Mutation Database (HGMD: prior to June 1st, 2018), and was therefore a candidate for classification through an automated scoring system. Utilizing variant allele frequency, disease prevalence and penetrance estimates, and inheritance mode, an automated score was calculated to assess if this variant is too frequent to cause the disease. Based on the score and internal cut-off values, a variant classified as benign is not then subjected to further curation. The score for this variant resulted in a classification of benign for this disease.

Illumina Laboratory Services, Illumina
Classification: Benign for Tibial muscular dystrophy. Last evaluated: 2018-01-13. Review status: criteria provided, single submitter. Criteria: ICSL Variant Classification Criteria 13 December 2019. Collection method: clinical testing. Allele origin: germline.
Comment: the same text as in the submission from Illumina Laboratory Services, Illumina above.

Illumina Laboratory Services, Illumina
Classification: Uncertain significance for Autosomal recessive limb-girdle muscular dystrophy type 2J. Last evaluated: 2018-01-13. Review status: criteria provided, single submitter. Criteria: ICSL Variant Classification Criteria 13 December 2019. Collection method: clinical testing. Allele origin: germline.

Illumina Laboratory Services, Illumina
Classification: Uncertain significance for Dilated cardiomyopathy 1G. Last evaluated: 2018-01-13. Review status: criteria provided, single submitter. Criteria: ICSL Variant Classification Criteria 13 December 2019. Collection method: clinical testing. Allele origin: germline.

Eurofins Ntd Llc (ga)
Classification: Uncertain significance. Last evaluated: 2017-05-25. Review status: criteria provided, single submitter. Criteria: EGL Classification Definitions 2015. Collection method: clinical testing. Allele origin: germline. Observed: 3 variant alleles, 3 heterozygotes.

NM_001267550.2(TTN):c.25660A>G (p.Lys8554Glu)

Gene: TTN (titin; minus strand). Cytogenetic location: 2q31.2.
Variant type: single nucleotide variant.
Coding change: c.25660A>G on transcript NM_001267550.2 (MANE Select); coding-DNA position 25660, A replaced by G.
Protein change: p.Lys8554Glu; replaces lysine 8554 with glutamic acid.
Molecular consequence: missense variant. On other transcripts: intron variant (3).
Genome position (GRCh38, 1-based): chr2:178,715,754, T>C on the plus strand (A>G on the coding strand, the complement: TTN is on the minus strand). VCF-style: chr2-178715754-T-C. GRCh37 (hg19) VCF-style: chr2-179580481-T-C.
Other names: c.24709A>G, p.Lys8237Glu (NM_001256850.1); c.21928A>G, p.Lys7310Glu (NM_133378.4); c.13282+22328A>G (NM_003319.4); c.13858+22328A>G (NM_133437.4); c.13657+22328A>G (NM_133432.3); short protein forms K7310E, K8554E, K8237E.
Identifiers: ClinVar variation 287945 (VCV000287945.53), dbSNP rs201945791, ClinGen allele CA2000162.
Genomic context (GRCh38, chr2:178,715,754, plus strand): 5'-CGATTTTGCATTCATACCTTGTGAATTCATCCTGTTTCACAATTCTTGAAGGTTCTAGCT[T>C]CTTAATGAACCTGGGTGGTTCTATGGAACCAAGAGGAAAAACACAGGGTAAGGGATGGAA-3'
Protein context (NP_001254479.2, residues 8544-8564): GVQEPPRFIK[Lys8554Glu]LEPSRIVKQD